The following is an entry in ClinVar:

NM_018979.4(WNK1):c.5902A>T (p.Thr1968Ser)

Gene: WNK1 (WNK lysine deficient protein kinase 1; plus strand). Cytogenetic location: 12p13.33.
Variant type: single nucleotide variant.
Coding change: c.5902A>T on transcript NM_018979.4 (MANE Select); coding-DNA position 5902, A replaced by T.
Protein change: p.Thr1968Ser; replaces threonine 1968 with serine.
Molecular consequence: missense variant.
Genome position (GRCh38, 1-based): chr12:896,389, A>T. VCF-style: chr12-896389-A-T. GRCh37 (hg19) VCF-style: chr12-1005555-A-T.
Other names: c.6682A>T, p.Thr2228Ser (NM_001184985.2); c.5158A>T, p.Thr1720Ser (NM_014823.3); c.6658A>T, p.Thr2220Ser (NM_213655.5); short protein forms T1720S, T1968S, T2220S, T2228S.
Identifiers: ClinVar variation 3752376 (VCV003752376.2).

ClinVar aggregate classification (germline): Uncertain significance (1 of 4 stars; one submission).

Conditions:
Neuropathy, hereditary sensory and autonomic, type 2A (HSAN2A). Also called: ACROOSTEOLYSIS, GIACCAI TYPE; ACROOSTEOLYSIS, NEUROGENIC; MORVAN DISEASE; NEUROPATHY, CONGENITAL SENSORY; NEUROPATHY, HEREDITARY SENSORY RADICULAR, AUTOSOMAL RECESSIVE; NEUROPATHY, HEREDITARY SENSORY, TYPE IIA. Identifiers: Orphanet 970, MedGen C2752089, MONDO:0024309, OMIM 201300.
Pseudohypoaldosteronism type 2C (PHA2C). Also called: Pseudohypoaldosteronism Type IIC. Identifiers: Orphanet 757, Orphanet 88940, MedGen C1840391, MONDO:0013778, OMIM 614492.

gnomAD v4.1: 19 of 1,614,092 alleles (0.0012%); highest among the groups gnomAD compares: Non-Finnish European, 0.0016%; no homozygotes.

Submission:

Labcorp Genetics (formerly Invitae), Labcorp
Classification: Uncertain significance for Neuropathy, hereditary sensory and autonomic, type 2A; Pseudohypoaldosteronism type 2C. Last evaluated: 2025-02-05. Review status: criteria provided, single submitter. Criteria: Invitae Variant Classification Sherloc (09022015). Collection method: clinical testing. Allele origin: germline.
Comment: This sequence change replaces threonine, which is neutral and polar, with serine, which is neutral and polar, at codon 2220 of the WNK1 protein (p.Thr2220Ser). This variant is present in population databases (no rsID available, gnomAD 0.0009%). This variant has not been reported in the literature in individuals affected with WNK1-related conditions. Invitae Evidence Modeling of protein sequence and biophysical properties (such as structural, functional, and spatial information, amino acid conservation, physicochemical variation, residue mobility, and thermodynamic stability) indicates that this missense variant is not expected to disrupt WNK1 protein function with a negative predictive value of 95%. In summary, the available evidence is currently insufficient to determine the role of this variant in disease. Therefore, it has been classified as a Variant of Uncertain Significance.